The following is an entry in ClinVar:

NM_001128425.2(MUTYH):c.23T>C (p.Leu8Pro)

Genes: MUTYH (mutY DNA glycosylase; minus strand), TOE1 (target of EGR1, exonuclease; plus strand). Cytogenetic location: 1p34.1.
Variant type: single nucleotide variant.
Coding change: c.23T>C on transcript NM_001128425.2 (MANE Plus Clinical); coding-DNA position 23, T replaced by C.
Protein change: p.Leu8Pro; replaces leucine 8 with proline.
Molecular consequence: missense variant. On other transcripts: 5 prime UTR variant (8), non-coding transcript variant (3).
Genome position (GRCh38, 1-based): chr1:45,340,232, A>G on the plus strand (T>C on the coding strand, the complement: MUTYH is on the minus strand). VCF-style: chr1-45340232-A-G. GRCh37 (hg19) VCF-style: chr1-45805904-A-G.
Other names: c.-21A>G (NM_025077.4); c.-20T>C (NM_001048171.2); c.23T>C, p.Leu8Pro (NM_001293190.2, NM_001407069.1, NM_001407073.1 and 1 more transcripts); c.-232T>C (NM_001293192.2); c.-291T>C (NM_001350650.2); c.-227T>C (NM_001350651.2); c.-36T>C (NM_001407070.1, NM_001407071.1); c.-16T>C (NM_001407072.1); short protein forms L8P.
Identifiers: ClinVar variation 2121748 (VCV002121748.5), dbSNP rs1570591840, ClinGen allele CA340137867.
Genomic context (GRCh38, chr1:45,340,232, plus strand): 5'-CCGACTGCCTGAACCGCGCCAGGAGACGGACCGCAAGTCCAGCGTACCCACAGACGACTC[A>G]GGCGGGAGACGAGCGGTGTCATGGCCGCCGACAGTGACGATGGCGCAGTTTCAGCTCCCG-3'
Protein context (NP_001121897.1, residues 1-18): MTPLVSR[Leu8Pro]SRLWAIMRKP

ClinVar aggregate classification (germline): Uncertain significance. Review status: criteria provided, multiple submitters, no conflicts (2 of 4 stars). 2 submissions from 2 submitters: Uncertain significance (2). Last evaluated 2024-02-14.

Conditions:
Familial adenomatous polyposis 2. Also called: MYH-associated polyposis; FAP type 2; MUTYH-associated polyposis; MUTYH-related attenuated familial adenomatous polyposis; MUTYH Polyposis; Adenomas, multiple colorectal. Identifiers: Orphanet 220460, Orphanet 247798, MedGen C3272841, MONDO:0012041, OMIM 608456.
Hereditary cancer-predisposing syndrome. Also called: Tumor predisposition; Hereditary Cancer Syndrome; Hereditary neoplastic syndrome; Neoplastic Syndromes, Hereditary. Identifiers: Orphanet 140162, MedGen C0027672, MeSH D009386, MONDO:0015356.

Allele frequency attached by ClinVar (database versions not stated): gnomAD exomes below 0.00001.
gnomAD v4.1: 3 of 1,613,848 alleles (0.00019%); highest among the groups gnomAD compares: Non-Finnish European, 0.00025%; no homozygotes.

Submissions (2):

Labcorp Genetics (formerly Invitae), Labcorp
Classification: Uncertain significance for Familial adenomatous polyposis 2. Last evaluated: 2024-02-14. Review status: criteria provided, single submitter. Criteria: Invitae Variant Classification Sherloc (09022015). Collection method: clinical testing. Allele origin: germline.
Comment: This sequence change replaces leucine, which is neutral and non-polar, with proline, which is neutral and non-polar, at codon 8 of the MUTYH protein (p.Leu8Pro). This variant is not present in population databases (gnomAD no frequency). This variant has not been reported in the literature in individuals affected with MUTYH-related conditions. ClinVar contains an entry for this variant (Variation ID: 2121748). Algorithms developed to predict the effect of missense changes on protein structure and function output the following: SIFT: "Not Available"; PolyPhen-2: "Benign"; Align-GVGD: "Not Available". The proline amino acid residue is found in multiple mammalian species, which suggests that this missense change does not adversely affect protein function. In summary, the available evidence is currently insufficient to determine the role of this variant in disease. Therefore, it has been classified as a Variant of Uncertain Significance.

Ambry Genetics
Classification: Uncertain significance for Hereditary cancer-predisposing syndrome. Last evaluated: 2023-02-03. Review status: criteria provided, single submitter. Criteria: Ambry Variant Classification Scheme 2023. Collection method: clinical testing. Allele origin: germline.
Comment: The p.L8P variant (also known as c.23T>C), located in coding exon 1 of the MUTYH gene, results from a T to C substitution at nucleotide position 23. The leucine at codon 8 is replaced by proline, an amino acid with similar properties. This amino acid position is conserved. In addition, this alteration is predicted to be tolerated by in silico analysis. Since supporting evidence is limited at this time, the clinical significance of this alteration remains unclear.